The following is an entry in ClinVar:

ClinVar aggregate classification (germline): Uncertain significance (1 of 4 stars; one submission).

Submission:

Labcorp Genetics (formerly Invitae), Labcorp
Classification: Uncertain significance. Last evaluated: 2022-08-09. Review status: criteria provided, single submitter. Criteria: Invitae Variant Classification Sherloc (09022015). Collection method: clinical testing. Allele origin: germline.
Comment: In summary, the available evidence is currently insufficient to determine the role of this variant in disease. Therefore, it has been classified as a Variant of Uncertain Significance. Algorithms developed to predict the effect of missense changes on protein structure and function (SIFT, PolyPhen-2, Align-GVGD) all suggest that this variant is likely to be disruptive. ClinVar contains an entry for this variant (Variation ID: 1378851). This variant has not been reported in the literature in individuals affected with NBAS-related conditions. This variant is not present in population databases (gnomAD no frequency). This sequence change replaces glutamic acid, which is acidic and polar, with glycine, which is neutral and non-polar, at codon 110 of the NBAS protein (p.Glu110Gly).

NM_015909.4(NBAS):c.329A>G (p.Glu110Gly)

Gene: NBAS (NBAS subunit of NRZ tethering complex; minus strand). Cytogenetic location: 2p24.3.
Variant type: single nucleotide variant.
Coding change: c.329A>G on transcript NM_015909.4 (MANE Select); coding-DNA position 329, A replaced by G.
Protein change: p.Glu110Gly; replaces glutamic acid 110 with glycine.
Molecular consequence: missense variant. On other transcripts: non-coding transcript variant (1).
Genome position (GRCh38, 1-based): chr2:15,553,432, T>C on the plus strand (A>G on the coding strand, the complement: NBAS is on the minus strand). VCF-style: chr2-15553432-T-C. GRCh37 (hg19) VCF-style: chr2-15693556-T-C.
Other names: short protein forms E110G.
Identifiers: ClinVar variation 1378851 (VCV001378851.8), dbSNP rs2148712039, ClinGen allele CA345892696.